The following is an entry in ClinVar:

ClinVar aggregate classification (germline): Likely benign (0 of 4 stars; one submission).

Conditions:
BAZ2B-related disorder. Also called: BAZ2B-related condition.

Allele frequency attached by ClinVar (database versions not stated): TOPMed below 0.00001.
gnomAD v4.1: 2 of 1,614,042 alleles (0.00012%); no homozygotes.

Submission:

PreventionGenetics, part of Exact Sciences
Classification: Likely benign for BAZ2B-related condition. Last evaluated: 2019-02-26. Review status: no assertion criteria provided. Collection method: clinical testing. Allele origin: germline.
Comment: This variant is classified as likely benign based on ACMG/AMP sequence variant interpretation guidelines (Richards et al. 2015 PMID: 25741868, with internal and published modifications).

NM_013450.4(BAZ2B):c.5889C>G (p.Pro1963=)

Gene: BAZ2B (bromodomain adjacent to zinc finger domain 2B; minus strand). Cytogenetic location: 2q24.2.
Variant type: single nucleotide variant.
Coding change: c.5889C>G on transcript NM_013450.4 (MANE Select); coding-DNA position 5889, C replaced by G.
Protein change: p.Pro1963=; no amino-acid change (proline 1963 retained).
Molecular consequence: synonymous variant.
Genome position (GRCh38, 1-based): chr2:159,332,594, G>C on the plus strand (C>G on the coding strand, the complement: BAZ2B is on the minus strand). VCF-style: chr2-159332594-G-C. GRCh37 (hg19) VCF-style: chr2-160189105-G-C.
Other names: c.5781C>G, p.Pro1927= (NM_001289975.1); c.5832C>G, p.Pro1944= (NM_001329857.2); c.5814C>G, p.Pro1938= (NM_001329858.2).
Identifiers: ClinVar variation 3057794 (VCV003057794.2), dbSNP rs1558979342, ClinGen allele CA429480182.